The following is an entry in ClinVar:

ClinVar aggregate classification (germline): Uncertain significance (1 of 4 stars; one submission).

Submission:

GeneDx
Classification: Uncertain significance. Last evaluated: 2025-08-16. Review status: criteria provided, single submitter. Criteria: GeneDx Variant Classification Process June 2021. Collection method: clinical testing. Allele origin: germline. Affected: yes.
Comment: Not observed at significant frequency in large population cohorts (gnomAD); In silico analysis supports that this missense variant has a deleterious effect on protein structure/function; Has not been previously published as pathogenic or benign to our knowledge

NM_145166.4(ZBTB47):c.413A>G (p.Tyr138Cys)

Gene: ZBTB47 (zinc finger and BTB domain containing 47; plus strand). Cytogenetic location: 3p22.1.
Variant type: single nucleotide variant.
Coding change: c.413A>G on transcript NM_145166.4 (MANE Select); coding-DNA position 413, A replaced by G.
Protein change: p.Tyr138Cys; replaces tyrosine 138 with cysteine.
Molecular consequence: missense variant.
Genome position (GRCh38, 1-based): chr3:42,658,768, A>G. VCF-style: chr3-42658768-A-G. GRCh37 (hg19) VCF-style: chr3-42700260-A-G.
Other names: c.497A>G, p.Tyr166Cys (NM_001410746.1); short protein forms Y166C, Y138C.
Identifiers: ClinVar variation 4795709 (VCV004795709.1).
Genomic context (GRCh38, chr3:42,658,768, plus strand): 5'-GTCCGGGCACTGTGGCCCTGGCCCAGCCGGCTGCCAGCTGCACTCCAGCTGCGCCGCCCT[A>G]CTACTGTGACATCAAGCAGGAGGCCGACACCCCAGGCCTGCCCAAGATCTATGCCCGCGA-3'
Protein context (NP_660149.2, residues 128-148): AASCTPAAPP[Tyr138Cys]YCDIKQEADT